The following is an entry in ClinVar:

NM_203486.3(DLL3):c.1365_1381del (p.Cys455fs)

Gene: DLL3 (delta like canonical Notch ligand 3; plus strand). Cytogenetic location: 19q13.2.
Variant type: Deletion.
Coding change: c.1365_1381del on transcript NM_203486.3 (MANE Select); coding-DNA positions 1365 to 1381, 17 bases deleted (CGCTCCCGGCTACATGG).
Protein change: p.Cys455fs; shifts the reading frame from cysteine 455.
Molecular consequence: frameshift variant.
Genome position (GRCh38, 1-based): chr19:39,507,310-39,507,326, CGCTCCCGGCTACATGG deleted; deleting any 17 consecutive bases within chr19:39,507,309-39,507,326 gives the same sequence; the c. name uses the placement nearest the transcript's 3' end. VCF-style (leftmost placement, unchanged base first): chr19-39507308-TGCGCTCCCGGCTACATG-T. GRCh37 (hg19) VCF-style: chr19-39997948-TGCGCTCCCGGCTACATG-T.
Other names: c.1365_1381del, p.Cys455fs (NM_016941.4); short protein forms C455fs.
Identifiers: ClinVar variation 4617415 (VCV004617415.1).
Genomic context (GRCh38, chr19:39,507,308, plus strand): 5'-GCGCGCCCCTGTGCTCACGGCGGCCGCTGCTACGCCCACTTCTCCGGCCTCGTCTGCGCT[TGCGCTCCCGGCTACATG>T]GGAGCGCGGTGTGAGTTCCCAGTGCACCCCGACGGCGCAAGCGCCTTGCCCGCGGCCCCG-3'

ClinVar aggregate classification (germline): Pathogenic (1 of 4 stars; one submission).

Conditions:
Inborn genetic diseases. Identifiers: MedGen C0950123, MeSH D030342.

Submission:

Ambry Genetics
Classification: Pathogenic for Inborn genetic diseases. Last evaluated: 2025-12-09. Review status: criteria provided, single submitter. Criteria: Ambry Variant Classification Scheme 2023. Collection method: clinical testing. Allele origin: germline.
Comment: The c.1365_1381del17 (p.C455Wfs*5) alteration, located in exon 7 (coding exon 7) of the DLL3 gene, consists of a deletion of 17 nucleotides from position 1365 to 1381, causing a translational frameshift with a predicted alternate stop codon after 5 amino acids. This alteration is expected to result in loss of function by premature protein truncation or nonsense-mediated mRNA decay. The Genome Aggregation Database (gnomAD) data for this variant is unreliable due to technical and/or biological issues; therefore, population frequency estimates were not considered. This variant has been identified in the homozygous state and/or in conjunction with other DLL3 variant(s) in individual(s) with features consistent with DLL3-related spondylocostal dysostosis (Turnpenny, 2003). Based on the available evidence, this alteration is classified as pathogenic.

Literature cited by the submitters: PubMed 12746394.